The following continues an entry in ClinVar:

NM_000059.4(BRCA2):c.5576_5579del (p.Ile1859fs)

Gene: BRCA2. ClinVar aggregate classification (germline): Pathogenic. Pathogenic (1).

Submissions 20 to 37 of 47:

Quest Diagnostics Nichols Institute San Juan Capistrano
Classification: Pathogenic. Last evaluated: 2023-08-09. Review status: criteria provided, single submitter. Criteria: Quest Diagnostics criteria. Collection method: clinical testing. Allele origin: unknown. Not counted in ClinVar's aggregate classification.
Comment: The BRCA2 c.5576_5579del (p.Ile1859Lysfs*3) variant alters the translational reading frame of the BRCA2 mRNA and causes the premature termination of BRCA2 protein synthesis. This variant has been reported in the published literature in individuals and families with breast/ovarian cancer (PMIDs: 35918668 (2022), 34645131 (2022), 31143373 (2019), 30287823 (2018), 23683081 (2013), 23633455 (2013), 22713736 (2012), 22217648 (2012), 22160602 (2012), 20104584 (2010)), and biliary track cancer (PMIDs: 32918181 (2021), 31666926 (2019)). The frequency of this variant in the general population, 0.000016 (4/244832 chromosomes (Genome Aggregation Database)), is consistent with pathogenicity. Based on the available information, this variant is classified as pathogenic.

Cancer Genomics Group, Japanese Foundation For Cancer Research
Classification: Likely pathogenic for Hereditary breast ovarian cancer syndrome. Last evaluated: 2023-03-27. Review status: criteria provided, single submitter. Criteria: ACMG Guidelines, 2015. Collection method: research. Allele origin: germline. Affected: no. Not counted in ClinVar's aggregate classification.

Laboratory for Molecular Medicine, Mass General Brigham Personalized Medicine
Classification: Pathogenic for Hereditary breast ovarian cancer syndrome. Last evaluated: 2021-07-15. Review status: criteria provided, single submitter. Criteria: ACMG Guidelines, 2015. Collection method: clinical testing. Allele origin: germline. Inheritance: Autosomal dominant inheritance. Not counted in ClinVar's aggregate classification.
Comment: The p.Ile1859LysfsX3 variant in BRCA2 has been reported in >35 individuals with BRCA2-associated cancers (Saghir 2015 PMID:25777348, Kim 2016 PMID:26848529, Breast Cancer Information Core database (BIC)). It has also been identified in 0.002% (1/41368) African/African American chromosomes by gnomAD (v3.1). This frequency is low enough to be consistent with the frequency of hereditary breast and ovarian cancer (HBOC) in the general population. This variant is predicted to cause a frameshift, which alters the protein’s amino acid sequence beginning at position 1859 and leads to a premature termination codon 3 amino acids downstream. This alteration is then predicted to lead to a truncated or absent protein. Heterozygous loss of function of the BRCA2 gene is an established disease mechanism in HBOC. Additionally, this variant was classified as pathogenic on April 22, 2016 by the ClinGen-approved ENIGMA expert panel (Variant ID 37975). In summary, this variant meets criteria to be classified as pathogenic for HBOC in an autosomal dominant manner. ACMG/AMP criteria applied: PS4, PM2_Supporting, PVS1.

Sema4
Classification: Pathogenic for Hereditary cancer-predisposing syndrome. Last evaluated: 2021-07-12. Review status: criteria provided, single submitter. Criteria: Sema4 Curation Guidelines. Collection method: curation. Allele origin: germline. Not counted in ClinVar's aggregate classification.
Comment: The BRCA2 c.5576_5579delTTAA (p.I1859Kfs*3) variant has been reported in heterozygosity in numerous individuals with breast and ovarian cancer (PMID: 17262179, 18465347, 20104584, 22713736, 22798144, 30287823, 33471991). It is also known as 5804del4 in the literature. This variant causes a frameshift at amino acid 1859 that results in premature termination 3 amino acids downstream. At this location, this is predicted to cause nonsense-mediated decay and result in an absent protein (loss of function). Loss of function of the BRCA2 gene is an established disease mechanism in HBOC. This variant was observed in 4/244832 chromosomes from large and broad populations by the Genome Aggregation Database (PMID: 32461654). This variant has been reported in ClinVar (Variation ID: 37975). Based on the current evidence available, this variant is interpreted as pathogenic.

Laan Lab, Human Genetics Research Group, University of Tartu
Classification: Pathogenic for Breast-ovarian cancer, familial, susceptibility to, 2. Last evaluated: 2021-05-01. Review status: criteria provided, single submitter. Criteria: ACMG Guidelines, 2015. Collection method: research. Allele origin: unknown. Observed: 1 variant allele, 1 heterozygote. Not counted in ClinVar's aggregate classification.

CeGaT Center for Human Genetics Tuebingen
Classification: Pathogenic. Last evaluated: 2020-06-01. Review status: criteria provided, single submitter. Criteria: CeGaT Center For Human Genetics Tuebingen Variant Classification Criteria Version 2. Collection method: clinical testing. Allele origin: germline. Affected: yes. Observed: 3 variant alleles. Not counted in ClinVar's aggregate classification.

GeneDx
Classification: Pathogenic. Last evaluated: 2019-12-18. Review status: criteria provided, single submitter. Criteria: GeneDx Variant Classification Process June 2021. Collection method: clinical testing. Allele origin: germline. Affected: yes. Not counted in ClinVar's aggregate classification.
Comment: Frameshift variant predicted to result in protein truncation or nonsense mediated decay in a gene for which loss-of-function is a known mechanism of disease; Observed in a multiple individuals with a personal or family history consistent with pathogenic variants in this gene (Ikeda 2001, Sugano 2008, Wang 2012, Kang 2015, Kim 2016, Eoh 2017, Pritzlaff 2017); Not observed at a significant frequency in large population cohorts (Lek 2016); Truncating variants in this gene are considered pathogenic by a well-established clinical consortium and/or database; Also known as c.5574_5577delAATT or 5804del4; This variant is associated with the following publications: (PMID: 22160602, 23683081, 22798144, 28127413, 28541631, 30203341, 11149425, 8705994, 25863477, 23633455, 19016756, 22713736, 24578176, 26848529, 27914478, 28008555, 27633797, 24094589, 28166811, 29422015, 26681312, 28724667, 29348823, 29020732, 29360550, 21643751, 29752822, 29673794, 30287823, 28111427, 30720243, 30742731, 30702160, 30322717, 31143373, 30309222, 31666926, 32300630, 30291343, 29625052, 26689913, 30350268, 31447099, 29176636, 31214711)

Department of Pathology and Molecular Medicine, Queen's University
Classification: Pathogenic for Hereditary breast ovarian cancer syndrome. Last evaluated: 2017-04-20. Review status: criteria provided, single submitter. Criteria: ACMG Guidelines, 2015. Collection method: clinical testing. Allele origin: germline. Study: The Canadian Open Genetics Repository (COGR). Not counted in ClinVar's aggregate classification.

Department of Medical Genetics, Oslo University Hospital
Classification: Pathogenic for Breast-ovarian cancer, familial, susceptibility to, 2. Last evaluated: 2017-01-10. Review status: criteria provided, single submitter. Criteria: ACMG Guidelines, 2015. Collection method: clinical testing. Allele origin: germline. Affected: yes. Observed: 11 variant alleles. Not counted in ClinVar's aggregate classification.

Genologica Medica
Classification: Pathogenic for Breast-ovarian cancer, familial, susceptibility to, 2. Last evaluated: 2017-01-01. Review status: criteria provided, single submitter. Criteria: ACMG Guidelines, 2015. Collection method: clinical testing. Allele origin: germline. Affected: yes. Not counted in ClinVar's aggregate classification.

Women's Health and Genetics/Laboratory Corporation of America, LabCorp
Classification: Pathogenic for Hereditary breast ovarian cancer syndrome. Last evaluated: 2016-04-25. Review status: criteria provided, single submitter. Criteria: LabCorp Variant Classification Summary - May 2015. Collection method: clinical testing. Allele origin: germline. Not counted in ClinVar's aggregate classification.
Comment: Variant summary: The c.5576_5579delTTAA variant results in a premature termination codon, predicted to cause a truncated or absent BRCA2 protein, which is a commonly known mechanism for disease. Truncations downstream of this position have been classified as pathogenic by our laboratory (c.5585_5588delTGAA, c.5603_5606delACAG, c.5616_5620delAGTAA). The variant was observed in the large and broad cohorts of the ExAC project at an allele frequency of 0.003% which does not exceed the maximal expected allele frequency for a pathogenic variant in BRCA2 (0.075%). The variant has been cited in numerous affected individuals via the literature and databases, and has been classified by multiple reputable databases and clinical labs as "pathogenic". Taken together, this variant has been classified as as Pathogenic.

Consortium of Investigators of Modifiers of BRCA1/2 (CIMBA), c/o University of Cambridge
Classification: Pathogenic for Breast-ovarian cancer, familial, susceptibility to, 2. Last evaluated: 2015-10-02. Review status: criteria provided, single submitter. Criteria: CIMBA Mutation Classification guidelines May 2016. Collection method: clinical testing. Allele origin: germline. Not counted in ClinVar's aggregate classification.

Clinical Genetics and Genomics, Karolinska University Hospital
Classification: Pathogenic. Last evaluated: 2014-06-12. Review status: criteria provided, single submitter. Criteria: ACMG Guidelines, 2015. Collection method: clinical testing. Allele origin: germline. Affected: yes. Observed: 8 variant alleles. Not counted in ClinVar's aggregate classification.

Juno Genomics, Hangzhou Juno Genomics, Inc
Classification: Pathogenic for Breast-ovarian cancer, familial, susceptibility to, 2. Review status: criteria provided, single submitter. Criteria: ACMG Guidelines, 2015. Collection method: clinical testing. Allele origin: germline. Not counted in ClinVar's aggregate classification.
Comment: Null variant in a gene where loss of function (LOF) is a known mechanism of disease.;Novel missense change at an amino acid residue where a different missense change determined to be pathogenic has been seen before.

BRCAlab, Lund University
Classification: Pathogenic for Breast-ovarian cancer, familial, susceptibility to, 2. Last evaluated: 2022-08-26. Review status: no assertion criteria provided. Collection method: clinical testing. Allele origin: germline. Affected: yes. Not counted in ClinVar's aggregate classification.

Laboratory for Genotyping Development, RIKEN
Classification: Pathogenic for Gastric cancer. Last evaluated: 2021-07-01. Review status: no assertion criteria provided. Collection method: research. Allele origin: germline. Not counted in ClinVar's aggregate classification.

Molecular Oncology, Hospital Universitario Central de Asturias (HUCA)
Classification: Pathogenic for Breast-ovarian cancer, familial, susceptibility to, 2. Last evaluated: 2021-05-24. Review status: no assertion criteria provided. Collection method: case-control. Allele origin: germline. Affected: yes. Not counted in ClinVar's aggregate classification.

Department of Medical Laboratory Science, Faculty of Allied Health Sciences, University of Peradeniya
Classification: Pathogenic for Malignant tumor of breast. Last evaluated: 2019-10-19. Review status: no assertion criteria provided. Collection method: research. Allele origin: germline. Affected: yes. Not counted in ClinVar's aggregate classification.